The following is an entry in ClinVar:

NM_020821.3(VPS13C):c.8981G>T (p.Gly2994Val)

Gene: VPS13C (vacuolar protein sorting 13 homolog C; minus strand). Cytogenetic location: 15q22.2.
Variant type: single nucleotide variant.
Coding change: c.8981G>T on transcript NM_020821.3 (MANE Select); coding-DNA position 8981, G replaced by T.
Protein change: p.Gly2994Val; replaces glycine 2994 with valine.
Molecular consequence: missense variant.
Genome position (GRCh38, 1-based): chr15:61,907,388, C>A on the plus strand (G>T on the coding strand, the complement: VPS13C is on the minus strand). VCF-style: chr15-61907388-C-A. GRCh37 (hg19) VCF-style: chr15-62199587-C-A.
Other names: c.8981G>T, p.Gly2994Val (NM_001018088.3); c.8852G>T, p.Gly2951Val (NM_017684.5, NM_018080.4); short protein forms G2951V, G2994V.
Identifiers: ClinVar variation 2062599 (VCV002062599.1), dbSNP rs141989364, ClinGen allele CA7594801.

ClinVar aggregate classification (germline): Uncertain significance (1 of 4 stars; one submission).

Allele frequency attached by ClinVar (database versions not stated): ExAC 0.00010; 1000 Genomes Project 30x 0.00016; 1000 Genomes Project 0.00020; ESP Exome Variant Server 0.00038; TOPMed 0.00042; gnomAD 0.00044.
gnomAD v4.1: 163 of 1,613,446 alleles (0.01%); highest among the groups gnomAD compares: African/African-American, 0.15%; 1 homozygote.

Submission:

Labcorp Genetics (formerly Invitae), Labcorp
Classification: Uncertain significance. Last evaluated: 2022-08-10. Review status: criteria provided, single submitter. Criteria: Invitae Variant Classification Sherloc (09022015). Collection method: clinical testing. Allele origin: germline.
Comment: This sequence change replaces glycine, which is neutral and non-polar, with valine, which is neutral and non-polar, at codon 2994 of the VPS13C protein (p.Gly2994Val). This variant is present in population databases (rs141989364, gnomAD 0.1%), including at least one homozygous and/or hemizygous individual. This variant has not been reported in the literature in individuals affected with VPS13C-related conditions. Algorithms developed to predict the effect of missense changes on protein structure and function are either unavailable or do not agree on the potential impact of this missense change (SIFT: "Deleterious"; PolyPhen-2: "Probably Damaging"; Align-GVGD: "Class C0"). In summary, the available evidence is currently insufficient to determine the role of this variant in disease. Therefore, it has been classified as a Variant of Uncertain Significance.